The following is an entry in ClinVar:

ClinVar aggregate classification (germline): Likely pathogenic (1 of 4 stars; one submission).

Submission:

Labcorp Genetics (formerly Invitae), Labcorp
Classification: Likely pathogenic. Last evaluated: 2025-08-01. Review status: criteria provided, single submitter. Criteria: Invitae Variant Classification Sherloc (09022015). Collection method: clinical testing. Allele origin: germline.
Comment: This sequence change affects a donor splice site in intron 17 of the DUOX2 gene. It is expected to disrupt RNA splicing. Variants that disrupt the donor or acceptor splice site typically lead to a loss of protein function (PMID: 16199547), and loss-of-function variants in DUOX2 are known to be pathogenic (PMID: 12110737, 18765513, 21565790, 24423310, 24735383). This variant is not present in population databases (gnomAD no frequency). Disruption of this splice site has been observed in individual(s) with autosomal dominant thyroid dyshormonogenesis (PMID: 30154845). ClinVar contains an entry for this variant (Variation ID: 2743160). Algorithms developed to predict the effect of sequence changes on RNA splicing suggest that this variant may disrupt the consensus splice site. In summary, the currently available evidence indicates that the variant is pathogenic, but additional data are needed to prove that conclusively. Therefore, this variant has been classified as Likely Pathogenic.

Literature cited by the submitters: PubMed 16199547; PubMed 12110737; PubMed 18765513; PubMed 21565790; PubMed 24423310; PubMed 24735383; PubMed 30154845.

NM_001363711.2(DUOX2):c.2148+1G>C

Gene: DUOX2 (dual oxidase 2; minus strand). Cytogenetic location: 15q21.1.
Variant type: single nucleotide variant.
Coding change: c.2148+1G>C on transcript NM_001363711.2 (MANE Select); the canonical splice donor site of the intron after coding-DNA position 2148, G replaced by C.
Molecular consequence: splice donor variant.
Genome position (GRCh38, 1-based): chr15:45,106,124, C>G on the plus strand (G>C on the coding strand, the complement: DUOX2 is on the minus strand). VCF-style: chr15-45106124-C-G. GRCh37 (hg19) VCF-style: chr15-45398322-C-G.
Other names: c.2148+1G>C (NM_014080.5).
Identifiers: ClinVar variation 2743160 (VCV002743160.3), dbSNP rs1566975448, ClinGen allele CA392272646.